The following is an entry in ClinVar:

ClinVar aggregate classification (germline): Uncertain significance. Review status: criteria provided, multiple submitters, no conflicts (2 of 4 stars). 2 submissions from 2 submitters: Uncertain significance (2). Last evaluated 2025-10-21.

Conditions:
Inborn genetic diseases. Identifiers: MedGen C0950123, MeSH D030342.

Allele frequency attached by ClinVar (database versions not stated): gnomAD exomes 0.00004; ExAC 0.00005; gnomAD 0.00005 and 0.00006; ESP Exome Variant Server 0.00008; TOPMed 0.00010.
gnomAD v4.1: 67 of 1,613,054 alleles (0.0042%); highest among the groups gnomAD compares: East Asian, 0.08%; no homozygotes.

Submissions (2):

Labcorp Genetics (formerly Invitae), Labcorp
Classification: Uncertain significance. Last evaluated: 2025-10-21. Review status: criteria provided, single submitter. Criteria: Invitae Variant Classification Sherloc (09022015). Collection method: clinical testing. Allele origin: germline.
Comment: This sequence change replaces arginine, which is basic and polar, with tryptophan, which is neutral and slightly polar, at codon 369 of the C9 protein (p.Arg369Trp). This variant is present in population databases (rs149784324, gnomAD 0.02%). This variant has not been reported in the literature in individuals affected with C9-related conditions. ClinVar contains an entry for this variant (Variation ID: 1416140). Invitae Evidence Modeling of protein sequence and biophysical properties (such as structural, functional, and spatial information, amino acid conservation, physicochemical variation, residue mobility, and thermodynamic stability) has been performed for this missense variant. However, the output from this modeling did not meet the statistical confidence thresholds required to predict the impact of this variant on C9 protein function. In summary, the available evidence is currently insufficient to determine the role of this variant in disease. Therefore, it has been classified as a Variant of Uncertain Significance.

Ambry Genetics
Classification: Uncertain significance for Inborn genetic diseases. Last evaluated: 2025-08-11. Review status: criteria provided, single submitter. Criteria: Ambry Variant Classification Scheme 2023. Collection method: clinical testing. Allele origin: germline.

NM_001737.5(C9):c.1105C>T (p.Arg369Trp)

Gene: C9 (complement C9; minus strand). Cytogenetic location: 5p13.1.
Variant type: single nucleotide variant.
Coding change: c.1105C>T on transcript NM_001737.5 (MANE Select); coding-DNA position 1105, C replaced by T.
Protein change: p.Arg369Trp; replaces arginine 369 with tryptophan.
Molecular consequence: missense variant.
Genome position (GRCh38, 1-based): chr5:39,311,143, G>A on the plus strand (C>T on the coding strand, the complement: C9 is on the minus strand). VCF-style: chr5-39311143-G-A. GRCh37 (hg19) VCF-style: chr5-39311245-G-A.
Other names: c.1105C>T (NM_001737.3); short protein forms R369W.
Identifiers: ClinVar variation 1416140 (VCV001416140.6), dbSNP rs149784324, ClinGen allele CA3246805.
Genomic context (GRCh38, chr5:39,311,143, plus strand): 5'-AATAATGTTTGGTCAAAACAGTATTTGAAGTCAGAGCTCTATTTCTAGGCATACCTTTCC[G>A]CTTCATGGAAGCTTTATCCAAAACATATATTAGTTCATAGAGTCCTCCTAGAGACCCAGA-3'
Protein context (NP_001728.1, residues 359-379): IYVLDKASMK[Arg369Trp]KGVELKDIKR